The following is an entry in ClinVar:

ClinVar aggregate classification (germline): Uncertain significance. Review status: criteria provided, multiple submitters, no conflicts (2 of 4 stars). 2 submissions from 2 submitters: Uncertain significance (2). Last evaluated 2019-01-11.

Conditions:
Familial encephalopathy with neuroserpin inclusion bodies. Also called: ENCEPHALOPATHY, FAMILIAL, WITH COLLINS BODIES. Identifiers: Orphanet 85110, MedGen C1858680, MONDO:0011412, OMIM 604218.

Submissions (2):

Labcorp Genetics (formerly Invitae), Labcorp
Classification: Uncertain significance for Familial encephalopathy with neuroserpin inclusion bodies. Last evaluated: 2019-01-11. Review status: criteria provided, single submitter. Criteria: Invitae Variant Classification Sherloc (09022015). Collection method: clinical testing. Allele origin: germline.
Comment: Algorithms developed to predict the effect of missense changes on protein structure and function (SIFT, PolyPhen-2, Align-GVGD) all suggest that this variant is likely to be disruptive, but these predictions have not been confirmed by published functional studies and their clinical significance is uncertain. In summary, the available evidence is currently insufficient to determine the role of this variant in disease. Therefore, it has been classified as a Variant of Uncertain Significance. This sequence change replaces isoleucine with threonine at codon 380 of the SERPINI1 protein (p.Ile380Thr). The isoleucine residue is highly conserved and there is a moderate physicochemical difference between isoleucine and threonine. This variant is not present in population databases (ExAC no frequency). This variant has not been reported in the literature in individuals with SERPINI1-related conditions. ClinVar contains an entry for this variant (Variation ID: 586531).

Athena Diagnostics
Classification: Uncertain significance. Last evaluated: 2018-08-15. Review status: criteria provided, single submitter. Criteria: Athena Diagnostics Criteria. Collection method: clinical testing. Allele origin: germline.

NM_001122752.2(SERPINI1):c.1139T>C (p.Ile380Thr)

Gene: SERPINI1 (serpin family I member 1; plus strand). Cytogenetic location: 3q26.1.
Variant type: single nucleotide variant.
Coding change: c.1139T>C on transcript NM_001122752.2 (MANE Select); coding-DNA position 1139, T replaced by C.
Protein change: p.Ile380Thr; replaces isoleucine 380 with threonine.
Molecular consequence: missense variant.
Genome position (GRCh38, 1-based): chr3:167,824,545, T>C. VCF-style: chr3-167824545-T-C. GRCh37 (hg19) VCF-style: chr3-167542333-T-C.
Other names: c.1139T>C, p.Ile380Thr (NM_005025.5); short protein forms I380T.
Identifiers: ClinVar variation 586531 (VCV000586531.11), dbSNP rs1560020646, ClinGen allele CA355157952.
Genomic context (GRCh38, chr3:167,824,545, plus strand): 5'-TTAGTAGGATGGCTGTGCTGTATCCTCAAGTTATTGTCGACCATCCATTTTTCTTTCTTA[T>C]CAGAAACAGGAGAACTGGTAAGTTTATTATGAAAACAAAATTTTATTTAATAGGTCACAA-3'
Protein context (NP_001116224.1, residues 370-390): VIVDHPFFFL[Ile380Thr]RNRRTGTILF